The following is an entry in ClinVar:

NM_001161352.2(KCNMA1):c.1957A>G (p.Lys653Glu)

Gene: KCNMA1 (potassium calcium-activated channel subfamily M alpha 1; minus strand). Cytogenetic location: 10q22.3.
Variant type: single nucleotide variant.
Coding change: c.1957A>G on transcript NM_001161352.2 (MANE Select); coding-DNA position 1957, A replaced by G.
Protein change: p.Lys653Glu; replaces lysine 653 with glutamic acid.
Molecular consequence: missense variant.
Genome position (GRCh38, 1-based): chr10:77,019,071, T>C on the plus strand (A>G on the coding strand, the complement: KCNMA1 is on the minus strand). VCF-style: chr10-77019071-T-C. GRCh37 (hg19) VCF-style: chr10-78778829-T-C.
Other names: c.1969A>G, p.Lys657Glu (NM_001014797.3, NM_001322830.2, NM_001322835.2 and 1 more transcripts); c.1957A>G, p.Lys653Glu (NM_001161353.2, NM_001271519.2, NM_001322829.2 and 3 more transcripts); c.1807A>G, p.Lys603Glu (NM_001271518.2); c.1417A>G, p.Lys473Glu (NM_001322838.2); short protein forms K473E, K603E, K653E, K657E.
Identifiers: ClinVar variation 1305838 (VCV001305838.3), dbSNP rs2153480907, ClinGen allele CA377408232.

ClinVar aggregate classification (germline): Uncertain significance. Review status: criteria provided, multiple submitters, no conflicts (2 of 4 stars). 2 submissions from 2 submitters: Uncertain significance (2). Last evaluated 2023-05-22.

Submissions (2):

Blueprint Genetics
Classification: Uncertain significance. Last evaluated: 2023-05-22. Review status: criteria provided, single submitter. Criteria: ACMG Guidelines, 2015. Collection method: clinical testing. Allele origin: germline.

GeneDx
Classification: Uncertain significance. Last evaluated: 2019-05-09. Review status: criteria provided, single submitter. Criteria: GeneDx Variant Classification Process June 2021. Collection method: clinical testing. Allele origin: germline. Affected: yes.
Comment: Not observed in large population cohorts (Lek et al., 2016); In silico analysis, which includes protein predictors and evolutionary conservation, supports a deleterious effect; Has not been previously published as pathogenic or benign to our knowledge